The following is an entry in ClinVar:

ClinVar aggregate classification (germline): Uncertain significance. Review status: criteria provided, multiple submitters, no conflicts (2 of 4 stars). 3 submissions from 3 submitters: Uncertain significance (3). Last evaluated 2026-02-04.

Conditions:
PLXNA2-related disorder. Also called: PLXNA2-related condition.

Allele frequency attached by ClinVar (database versions not stated): gnomAD exomes 0.00002 and 0.00004; gnomAD 0.00004; ExAC 0.00005; TOPMed 0.00008.
gnomAD v4.1: 40 of 1,611,494 alleles (0.0025%); highest among the groups gnomAD compares: Admixed American, 0.013%; no homozygotes.

Submissions (3):

PreventionGenetics, part of Exact Sciences
Classification: Uncertain significance for PLXNA2-related condition. Last evaluated: 2026-02-04. Review status: criteria provided, single submitter. Criteria: ACMG Guidelines, 2015. Collection method: clinical testing. Allele origin: germline.
Comment: The PLXNA2 c.905G>A variant is predicted to result in the amino acid substitution p.Arg302Gln. To our knowledge, this variant has not been reported in the literature. This variant is reported in 0.011% of alleles in individuals of Latino descent in gnomAD. At this time, the clinical significance of this variant is uncertain due to the absence of conclusive functional and genetic evidence.

Ambry Genetics
Classification: Uncertain significance. Last evaluated: 2025-10-07. Review status: criteria provided, single submitter. Criteria: Ambry Variant Classification Scheme 2023. Collection method: clinical testing. Allele origin: germline.

Labcorp Genetics (formerly Invitae), Labcorp
Classification: Uncertain significance. Last evaluated: 2025-03-16. Review status: criteria provided, single submitter. Criteria: Invitae Variant Classification Sherloc (09022015). Collection method: clinical testing. Allele origin: germline.
Comment: This sequence change replaces arginine, which is basic and polar, with glutamine, which is neutral and polar, at codon 302 of the PLXNA2 protein (p.Arg302Gln). This variant is present in population databases (rs757914349, gnomAD 0.01%). This variant has not been reported in the literature in individuals affected with PLXNA2-related conditions. ClinVar contains an entry for this variant (Variation ID: 1054557). Invitae Evidence Modeling of protein sequence and biophysical properties (such as structural, functional, and spatial information, amino acid conservation, physicochemical variation, residue mobility, and thermodynamic stability) indicates that this missense variant is not expected to disrupt PLXNA2 protein function with a negative predictive value of 80%. In summary, the available evidence is currently insufficient to determine the role of this variant in disease. Therefore, it has been classified as a Variant of Uncertain Significance.

NM_025179.4(PLXNA2):c.905G>A (p.Arg302Gln)

Gene: PLXNA2 (plexin A2; minus strand). Cytogenetic location: 1q32.2.
Variant type: single nucleotide variant.
Coding change: c.905G>A on transcript NM_025179.4 (MANE Select); coding-DNA position 905, G replaced by A.
Protein change: p.Arg302Gln; replaces arginine 302 with glutamine.
Molecular consequence: missense variant.
Genome position (GRCh38, 1-based): chr1:208,217,018, C>T on the plus strand (G>A on the coding strand, the complement: PLXNA2 is on the minus strand). VCF-style: chr1-208217018-C-T. GRCh37 (hg19) VCF-style: chr1-208390363-C-T.
Other names: c.905G>A (NM_025179.3); short protein forms R302Q.
Identifiers: ClinVar variation 1054557 (VCV001054557.13), dbSNP rs757914349, ClinGen allele CA1374008.